The following is an entry in ClinVar:

NM_006648.4(WNK2):c.1139A>T (p.Tyr380Phe)

Gene: WNK2 (WNK lysine deficient protein kinase 2; plus strand). Cytogenetic location: 9q22.31.
Variant type: single nucleotide variant.
Coding change: c.1139A>T on transcript NM_006648.4 (MANE Select); coding-DNA position 1139, A replaced by T.
Protein change: p.Tyr380Phe; replaces tyrosine 380 with phenylalanine.
Molecular consequence: missense variant.
Genome position (GRCh38, 1-based): chr9:93,234,871, A>T. VCF-style: chr9-93234871-A-T. GRCh37 (hg19) VCF-style: chr9-95997153-A-T.
Other names: c.1139A>T, p.Tyr380Phe (NM_001282394.3); short protein forms Y380F.
Identifiers: ClinVar variation 3982213 (VCV003982213.1).

ClinVar aggregate classification (germline): Uncertain significance (1 of 4 stars; one submission).

Submission:

Ambry Genetics
Classification: Uncertain significance. Last evaluated: 2025-06-13. Review status: criteria provided, single submitter. Criteria: Ambry Variant Classification Scheme 2023. Collection method: clinical testing. Allele origin: germline.
Comment: The p.Y380F variant (also known as c.1139A>T), located in coding exon 4 of the WNK2 gene, results from an A to T substitution at nucleotide position 1139. The tyrosine at codon 380 is replaced by phenylalanine, an amino acid with highly similar properties. This amino acid position is conserved. In addition, this alteration is predicted to be tolerated by in silico analysis. Based on the available evidence, the clinical significance of this variant remains unclear.